The following is an entry in ClinVar:

ClinVar aggregate classification (germline): Conflicting classifications of pathogenicity. Review status: criteria provided, conflicting classifications (1 of 4 stars). 2 submissions from 2 submitters: Likely pathogenic (1); Uncertain significance (1). Last evaluated 2026-04-15.

Conditions:
Charcot-Marie-Tooth disease axonal type 2O. Also called: CHARCOT-MARIE-TOOTH NEUROPATHY, AXONAL, TYPE 2O; CHARCOT-MARIE-TOOTH DISEASE, AXONAL, AUTOSOMAL DOMINANT, TYPE 2O; Charcot-Marie-Tooth Neuropathy Type 2O; Charcot-Marie-Tooth disease, axonal, type 20. Identifiers: Orphanet 284232, MedGen C3280220, MONDO:0013644, OMIM 614228.

Submissions (2):

GeneDx
Classification: Likely pathogenic. Last evaluated: 2026-04-15. Review status: criteria provided, single submitter. Criteria: GeneDx Variant Classification Process June 2021. Collection method: clinical testing. Allele origin: germline.
Comment: Canonical splice site variant predicted to result in an in-frame loss of the adjacent exon in a gene for which loss of function is a known mechanism of disease; Not observed at significant frequency in large population cohorts (gnomAD); Has not been previously published as pathogenic or benign to our knowledge; This variant is associated with the following publications: (PMID: 25512093, 25609763, 26100331)

Labcorp Genetics (formerly Invitae), Labcorp
Classification: Uncertain significance for Charcot-Marie-Tooth disease axonal type 2O. Last evaluated: 2024-08-08. Review status: criteria provided, single submitter. Criteria: Invitae Variant Classification Sherloc (09022015). Collection method: clinical testing. Allele origin: germline.
Comment: This sequence change affects a donor splice site in intron 69 of the DYNC1H1 gene. It is expected to disrupt RNA splicing. Variants that disrupt the donor or acceptor splice site typically lead to a loss of protein function (PMID: 16199547), however the current clinical and genetic evidence is not sufficient to establish whether loss-of-function variants in DYNC1H1 cause disease. This variant is not present in population databases (gnomAD no frequency). This variant has not been reported in the literature in individuals affected with DYNC1H1-related conditions. Algorithms developed to predict the effect of sequence changes on RNA splicing suggest that this variant may disrupt the consensus splice site. In summary, the available evidence is currently insufficient to determine the role of this variant in disease. Therefore, it has been classified as a Variant of Uncertain Significance.

Literature cited by the submitters: PubMed 16199547 (cited by Labcorp Genetics (formerly Invitae), Labcorp).

NM_001376.5(DYNC1H1):c.12513+1G>A

Gene: DYNC1H1 (dynein cytoplasmic 1 heavy chain 1; plus strand). Cytogenetic location: 14q32.31.
Variant type: single nucleotide variant.
Coding change: c.12513+1G>A on transcript NM_001376.5 (MANE Select); the canonical splice donor site of the intron after coding-DNA position 12513, G replaced by A.
Molecular consequence: splice donor variant.
Genome position (GRCh38, 1-based): chr14:102,042,749, G>A. VCF-style: chr14-102042749-G-A. GRCh37 (hg19) VCF-style: chr14-102509086-G-A.
Identifiers: ClinVar variation 3686874 (VCV003686874.3).